The following is an entry in ClinVar:

NM_004380.3(CREBBP):c.3175G>C (p.Val1059Leu)

Gene: CREBBP (CREB binding lysine acetyltransferase; minus strand). Cytogenetic location: 16p13.3.
Variant type: single nucleotide variant.
Coding change: c.3175G>C on transcript NM_004380.3 (MANE Select); coding-DNA position 3175, G replaced by C.
Protein change: p.Val1059Leu; replaces valine 1059 with leucine.
Molecular consequence: missense variant.
Genome position (GRCh38, 1-based): chr16:3,767,795, C>G on the plus strand (G>C on the coding strand, the complement: CREBBP is on the minus strand). VCF-style: chr16-3767795-C-G. GRCh37 (hg19) VCF-style: chr16-3817796-C-G.
Other names: c.3061G>C, p.Val1021Leu (NM_001079846.1); short protein forms V1021L, V1059L.
Identifiers: ClinVar variation 2164381 (VCV002164381.4), dbSNP rs2141182295, ClinGen allele CA394570653.
Genomic context (GRCh38, chr16:3,767,795, plus strand): 5'-GCGAAGGAGATGTTGACTGAGAGGCTGTGCCGTTACTGCTACTCTCTTCTTCCTCTTTAA[C>G]TTCTACTTTCACTTCAGGTTTCTTTTCATCCACTTCCATTGGTTCTGATTTCTGCTCTGC-3'
Protein context (NP_004371.2, residues 1049-1069): DEKKPEVKVE[Val1059Leu]KEEEESSSNG

ClinVar aggregate classification (germline): Uncertain significance (1 of 4 stars; one submission).

Conditions:
Rubinstein-Taybi syndrome (RSTS). Identifiers: Orphanet 783, MedGen C0035934, MONDO:0019188.

gnomAD v4.1: 1 of 1,614,208 alleles (0.000062%); no homozygotes.

Submission:

Labcorp Genetics (formerly Invitae), Labcorp
Classification: Uncertain significance for Rubinstein-Taybi syndrome. Last evaluated: 2024-05-15. Review status: criteria provided, single submitter. Criteria: Invitae Variant Classification Sherloc (09022015). Collection method: clinical testing. Allele origin: germline.
Comment: This sequence change replaces valine, which is neutral and non-polar, with leucine, which is neutral and non-polar, at codon 1059 of the CREBBP protein (p.Val1059Leu). This variant is not present in population databases (gnomAD no frequency). This variant has not been reported in the literature in individuals affected with CREBBP-related conditions. ClinVar contains an entry for this variant (Variation ID: 2164381). Advanced modeling of protein sequence and biophysical properties (such as structural, functional, and spatial information, amino acid conservation, physicochemical variation, residue mobility, and thermodynamic stability) performed at Invitae indicates that this missense variant is not expected to disrupt CREBBP protein function with a negative predictive value of 95%. In summary, the available evidence is currently insufficient to determine the role of this variant in disease. Therefore, it has been classified as a Variant of Uncertain Significance.